The following is an entry in ClinVar:

ClinVar aggregate classification (germline): Pathogenic/Likely pathogenic. Review status: criteria provided, multiple submitters, no conflicts (2 of 4 stars). 3 submissions from 3 submitters: Pathogenic (1); Likely pathogenic (1). 1 of the submissions does not count toward it. Last evaluated 2025-06-19.

Conditions:
Heterotaxy, visceral, 5, autosomal (HTX5). Also called: Heterotaxy, visceral, 5. Identifiers: Orphanet 450, MedGen C3495537, MONDO:0700112, OMIM 270100.

Allele frequency attached by ClinVar (database versions not stated): gnomAD 0.00001; TOPMed 0.00002.
gnomAD v4.1: 1 of 1,607,200 alleles (0.000062%); highest among the groups gnomAD compares: Non-Finnish European, 0.000085%; no homozygotes.

Submissions (3):

GeneDx
Classification: Pathogenic. Last evaluated: 2025-06-19. Review status: criteria provided, single submitter. Criteria: GeneDx Variant Classification Process June 2021. Collection method: clinical testing. Allele origin: germline.
Comment: Canonical splice site variant predicted to result in a null allele in a gene for which loss of function is a known mechanism of disease; Identified in a patient with dextrocardia, hypoplastic subpulmonary conus with pulmonic stenosis, levo-transposition of the great arteries, double-outlet right ventricle with posterior main pulmonary artery, and ventricular septal defect, in published literature; however, no other genes were tested (PMID: 19064609); Not observed at significant frequency in large population cohorts (gnomAD); This variant is associated with the following publications: (PMID: 24822108, 19933292, 19064609)

Labcorp Genetics (formerly Invitae), Labcorp
Classification: Likely pathogenic for Heterotaxy, visceral, 5, autosomal. Last evaluated: 2022-12-05. Review status: criteria provided, single submitter. Criteria: Invitae Variant Classification Sherloc (09022015). Collection method: clinical testing. Allele origin: germline.
Comment: This sequence change affects a donor splice site in intron 2 of the NODAL gene. It is expected to disrupt RNA splicing. Variants that disrupt the donor or acceptor splice site typically lead to a loss of protein function (PMID: 16199547), and loss-of-function variants in NODAL are known to be pathogenic (PMID: 19064609, 19933292). In summary, the currently available evidence indicates that the variant is pathogenic, but additional data are needed to prove that conclusively. Therefore, this variant has been classified as Likely Pathogenic. Algorithms developed to predict the effect of sequence changes on RNA splicing suggest that this variant may disrupt the consensus splice site. ClinVar contains an entry for this variant (Variation ID: 241245). Disruption of this splice site has been observed in individual(s) with cardiac malformations (PMID: 19064609). This variant is not present in population databases (gnomAD no frequency).

OMIM
Classification: Pathogenic for HETEROTAXY, VISCERAL, 5, AUTOSOMAL. Last evaluated: 2009-03-01. Review status: no assertion criteria provided. Collection method: literature only. Allele origin: germline. Not counted in ClinVar's aggregate classification.

Literature cited by the submitters: PubMed 16199547 (cited by Labcorp Genetics (formerly Invitae), Labcorp); PubMed 19064609 (cited by Labcorp Genetics (formerly Invitae), Labcorp and OMIM); PubMed 19933292 (cited by Labcorp Genetics (formerly Invitae), Labcorp).

NM_018055.5(NODAL):c.891+1G>A

Gene: NODAL (nodal growth differentiation factor; minus strand). Cytogenetic location: 10q22.1.
Variant type: single nucleotide variant.
Coding change: c.891+1G>A on transcript NM_018055.5 (MANE Select); the canonical splice donor site of the intron after coding-DNA position 891, G replaced by A.
Molecular consequence: splice donor variant.
Genome position (GRCh38, 1-based): chr10:70,435,285, C>T on the plus strand (G>A on the coding strand, the complement: NODAL is on the minus strand). VCF-style: chr10-70435285-C-T. GRCh37 (hg19) VCF-style: chr10-72195041-C-T.
Other names: IVS2DS, G-A, +1; c.492+1G>A (NM_001329906.2).
Identifiers: ClinVar variation 241245 (VCV000241245.12), dbSNP rs878855044, ClinGen allele CA10582732.